The following is an entry in ClinVar:

NM_153717.3(EVC):c.*1060A>C

Gene: EVC (EvC ciliary complex subunit 1; plus strand). Cytogenetic location: 4p16.2.
Variant type: single nucleotide variant.
Coding change: c.*1060A>C on transcript NM_153717.3 (MANE Select); 1060 bases downstream of the stop codon, A replaced by C.
Molecular consequence: 3 prime UTR variant.
Genome position (GRCh38, 1-based): chr4:5,812,097, A>C. VCF-style: chr4-5812097-A-C. GRCh37 (hg19) VCF-style: chr4-5813824-A-C.
Other names: c.*1060A>C (NM_001306090.2).
Identifiers: ClinVar variation 349237 (VCV000349237.6), dbSNP rs71599848, ClinGen allele CA10618056.
Genomic context (GRCh38, chr4:5,812,097, plus strand): 5'-ACAGCCAGGAGAGGCCTTTACCACCTGGAGAGAAGCTTCCAGACCAGCCCCTCACACCAC[A>C]GCCAGGAGAGGCCTTTCCCACCTGGAGAGAAACTTCCAGACCAGCCCCTCATACCACAGC-3'

ClinVar aggregate classification (germline): Benign. Review status: criteria provided, multiple submitters, no conflicts (2 of 4 stars). 2 submissions from 2 submitters: Benign (2). Last evaluated 2018-01-13.

Conditions:
Ellis-van Creveld syndrome (EVC). Also called: EVC-Related Ellis-van Creveld Syndrome; EVC2-Related Ellis-van Creveld Syndrome; MESOECTODERMAL DYSPLASIA; Chondroectodermal dysplasia. Identifiers: Orphanet 289, MedGen C0013903, MONDO:0009162, OMIM 225500.

Allele frequency attached by ClinVar (database versions not stated): gnomAD exomes 0.00486; gnomAD 0.02544 and 0.02627; 1000 Genomes Project 0.11681.
gnomAD v4.1: 2,910 of 126,782 alleles (2.3%); highest among the groups gnomAD compares: African/African-American, 5.3%; 82 homozygotes.

Submissions (2):

Illumina Laboratory Services, Illumina
Classification: Benign for Ellis-van Creveld syndrome. Last evaluated: 2018-01-13. Review status: criteria provided, single submitter. Criteria: ICSL Variant Classification Criteria 13 December 2019. Collection method: clinical testing. Allele origin: germline.
Comment: This variant was observed in the ICSL laboratory as part of a predisposition screen in an ostensibly healthy population. It had not been previously curated by ICSL or reported in the Human Gene Mutation Database (HGMD: prior to June 1st, 2018), and was therefore a candidate for classification through an automated scoring system. Utilizing variant allele frequency, disease prevalence and penetrance estimates, and inheritance mode, an automated score was calculated to assess if this variant is too frequent to cause the disease. Based on the score and internal cut-off values, a variant classified as benign is not then subjected to further curation. The score for this variant resulted in a classification of benign for this disease.

Breakthrough Genomics
Classification: Benign. Review status: criteria provided, single submitter. Criteria: ACMG Guidelines, 2015. Collection method: not provided. Allele origin: germline. Inheritance: Autosomal recessive inheritance. Affected: yes.